The following is an entry in ClinVar:

NM_021224.6(ZNF462):c.5805G>C (p.Gln1935His)

Gene: ZNF462 (zinc finger protein 462; plus strand). Cytogenetic location: 9q31.2.
Variant type: single nucleotide variant.
Coding change: c.5805G>C on transcript NM_021224.6 (MANE Select); coding-DNA position 5805, G replaced by C.
Protein change: p.Gln1935His; replaces glutamine 1935 with histidine.
Molecular consequence: missense variant. On other transcripts: intron variant (1).
Genome position (GRCh38, 1-based): chr9:106,929,717, G>C. VCF-style: chr9-106929717-G-C. GRCh37 (hg19) VCF-style: chr9-109691998-G-C.
Other names: c.3253-808G>C (NM_001347997.2); short protein forms Q1935H.
Identifiers: ClinVar variation 5017049 (VCV005017049.1).

ClinVar aggregate classification (germline): Uncertain significance (1 of 4 stars; one submission).

Submission:

GeneDx
Classification: Uncertain significance. Last evaluated: 2026-03-19. Review status: criteria provided, single submitter. Criteria: GeneDx Variant Classification Process June 2021. Collection method: clinical testing. Allele origin: germline.
Comment: Not observed at significant frequency in large population cohorts (gnomAD); In silico analysis suggests that this missense variant does not alter protein structure/function; Has not been previously published as pathogenic or benign to our knowledge